The following is an entry in ClinVar:

ClinVar aggregate classification (germline): Uncertain significance (1 of 4 stars; one submission).

Allele frequency attached by ClinVar (database versions not stated): gnomAD exomes below 0.00001.
gnomAD v4.1: 1 of 1,614,174 alleles (0.000062%); highest among the groups gnomAD compares: Non-Finnish European, 0.000085%; no homozygotes.

Submission:

Labcorp Genetics (formerly Invitae), Labcorp
Classification: Uncertain significance. Last evaluated: 2021-05-27. Review status: criteria provided, single submitter. Criteria: Invitae Variant Classification Sherloc (09022015). Collection method: clinical testing. Allele origin: germline.
Comment: In summary, the available evidence is currently insufficient to determine the role of this variant in disease. Therefore, it has been classified as a Variant of Uncertain Significance. Algorithms developed to predict the effect of missense changes on protein structure and function are either unavailable or do not agree on the potential impact of this missense change (SIFT: "Not Available"; PolyPhen-2: "Benign"; Align-GVGD: "Not Available"). This variant has not been reported in the literature in individuals with LCT-related conditions. This variant is not present in population databases (ExAC no frequency). This sequence change replaces isoleucine with valine at codon 1432 of the LCT protein (p.Ile1432Val). The isoleucine residue is moderately conserved and there is a small physicochemical difference between isoleucine and valine.

NM_002299.4(LCT):c.4294A>G (p.Ile1432Val)

Gene: LCT (lactase; minus strand). Cytogenetic location: 2q21.3.
Variant type: single nucleotide variant.
Coding change: c.4294A>G on transcript NM_002299.4 (MANE Select); coding-DNA position 4294, A replaced by G.
Protein change: p.Ile1432Val; replaces isoleucine 1432 with valine.
Molecular consequence: missense variant.
Genome position (GRCh38, 1-based): chr2:135,804,937, T>C on the plus strand (A>G on the coding strand, the complement: LCT is on the minus strand). VCF-style: chr2-135804937-T-C. GRCh37 (hg19) VCF-style: chr2-136562507-T-C.
Other names: short protein forms I1432V.
Identifiers: ClinVar variation 1494130 (VCV001494130.8), dbSNP rs2105529256, ClinGen allele CA348596134.
Genomic context (GRCh38, chr2:135,804,937, plus strand): 5'-AGATGGAAAAACGGTAGTGGGACACGCCCAGGTTCTGCAGGGTGACCAGATCCTCAGCAA[T>C]CTTGTGATAACTGTCACAGGCCACGTCTCCAATGGCATCGTTCTCAACCCTCAGTGGTGT-3'
Protein context (NP_002290.2, residues 1422-1442): GDVACDSYHK[Ile1432Val]AEDLVTLQNL